The following is an entry in ClinVar:

ClinVar aggregate classification (germline): Uncertain significance (1 of 4 stars; one submission).

Conditions:
Hereditary cancer-predisposing syndrome. Also called: Hereditary Cancer Syndrome; Tumor predisposition; Hereditary neoplastic syndrome; Neoplastic Syndromes, Hereditary. Identifiers: Orphanet 140162, MedGen C0027672, MeSH D009386, MONDO:0015356.

gnomAD v4.1: 1 of 1,614,118 alleles (0.000062%); highest among the groups gnomAD compares: Non-Finnish European, 0.000085%; no homozygotes.

Submission:

Ambry Genetics
Classification: Uncertain significance for Hereditary cancer-predisposing syndrome. Last evaluated: 2024-10-11. Review status: criteria provided, single submitter. Criteria: Ambry Variant Classification Scheme 2023. Collection method: clinical testing. Allele origin: germline.
Comment: The p.S935Y variant (also known as c.2804C>A), located in coding exon 4 of the MSH6 gene, results from a C to A substitution at nucleotide position 2804. The serine at codon 935 is replaced by tyrosine, an amino acid with dissimilar properties. This amino acid position is conserved. In addition, the in silico prediction for this alteration is inconclusive. Based on the available evidence, the clinical significance of this variant remains unclear.

NM_000179.3(MSH6):c.2804C>A (p.Ser935Tyr)

Gene: MSH6 (mutS homolog 6; plus strand). Cytogenetic location: 2p16.3.
Variant type: single nucleotide variant.
Coding change: c.2804C>A on transcript NM_000179.3 (MANE Select); coding-DNA position 2804, C replaced by A.
Protein change: p.Ser935Tyr; replaces serine 935 with tyrosine.
Molecular consequence: missense variant. On other transcripts: non-coding transcript variant (5), intron variant (2).
Genome position (GRCh38, 1-based): chr2:47,800,787, C>A. VCF-style: chr2-47800787-C-A. GRCh37 (hg19) VCF-style: chr2-48027926-C-A.
Other names: c.2414C>A, p.Ser805Tyr (NM_001281492.2); c.1898C>A, p.Ser633Tyr (NM_001281493.2, NM_001281494.2, NM_001406811.1 and 6 more transcripts); c.2900C>A, p.Ser967Tyr (NM_001406795.1, NM_001406802.1); c.2804C>A, p.Ser935Tyr (NM_001406796.1, NM_001406798.1, NM_001406800.1 and 2 more transcripts); c.2507C>A, p.Ser836Tyr (NM_001406797.1, NM_001406801.1, NM_001406805.1 and 10 more transcripts); c.2279C>A, p.Ser760Tyr (NM_001406799.1, NM_001406806.1, NM_001406807.1); c.2726C>A, p.Ser909Tyr (NM_001406804.1); c.2810C>A, p.Ser937Tyr (NM_001406813.1); and 4 more; short protein forms S250Y, S879Y, S909Y, S967Y, S935Y, S633Y, S760Y, S805Y.
Identifiers: ClinVar variation 3398940 (VCV003398940.1).